The following is an entry in ClinVar:

NM_000512.5(GALNS):c.692C>T (p.Ala231Val)

Gene: GALNS (galactosamine (N-acetyl)-6-sulfatase; minus strand). Cytogenetic location: 16q24.3.
Variant type: single nucleotide variant.
Coding change: c.692C>T on transcript NM_000512.5 (MANE Select); coding-DNA position 692, C replaced by T.
Protein change: p.Ala231Val; replaces alanine 231 with valine.
Molecular consequence: missense variant.
Genome position (GRCh38, 1-based): chr16:88,835,791, G>A on the plus strand (C>T on the coding strand, the complement: GALNS is on the minus strand). VCF-style: chr16-88835791-G-A. GRCh37 (hg19) VCF-style: chr16-88902199-G-A.
Other names: c.137C>T, p.Ala46Val (NM_001323543.2); c.710C>T, p.Ala237Val (NM_001323544.2); short protein forms A237V, A231V, A46V.
Identifiers: ClinVar variation 1982525 (VCV001982525.2), dbSNP rs34745339, ClinGen allele CA8235029.
Genomic context (GRCh38, chr16:88,835,791, plus strand): 5'-CGCTGACTGGTGCCCAAGAAGGGTTTGGAGGCATAGACGGGTGCGTGCGTGGCGTCGACA[G>A]CCCAGTAGAGGAAAAAGGGGTGGTGCCGTGCCTGTCTCTTAATGAAGTCCAGGGCTTCCT-3'
Protein context (NP_000503.1, residues 221-241): ARHHPFFLYW[Ala231Val]VDATHAPVYA

ClinVar aggregate classification (germline): Uncertain significance. Review status: criteria provided, multiple submitters, no conflicts (2 of 4 stars). 2 submissions from 2 submitters: Uncertain significance (2). Last evaluated 2023-11-28.

Conditions:
Mucopolysaccharidosis, MPS-IV-A (MPS4A). Also called: Morquio syndrome A, mild; MORQUIO SYNDROME A; GALACTOSAMINE-6-SULFATASE DEFICIENCY; GALNS DEFICIENCY; MORQUIO A DISEASE; Mucopolysaccharidosis type IV A. Identifiers: Orphanet 309297, Orphanet 582, MedGen C0086651, MONDO:0009659, OMIM 253000.

gnomAD v4.1: 5 of 1,614,004 alleles (0.00031%); highest among the groups gnomAD compares: African/African-American, 0.0053%; no homozygotes.

Submissions (2):

Women's Health and Genetics/Laboratory Corporation of America, LabCorp
Classification: Uncertain significance. Last evaluated: 2023-11-28. Review status: criteria provided, single submitter. Criteria: LabCorp Variant Classification Summary - May 2015. Collection method: clinical testing. Allele origin: germline.
Comment: Variant summary: GALNS c.692C>T (p.Ala231Val) results in a non-conservative amino acid change located in the sulfatase, N-terminal domain (IPR000917) of the encoded protein sequence. Four of five in-silico tools predict a damaging effect of the variant on protein function. The variant allele was found at a frequency of 8e-06 in 251332 control chromosomes. The available data on variant occurrences in the general population are insufficient to allow any conclusion about variant significance. To our knowledge, no occurrence of c.692C>T in individuals affected with Mucopolysaccharidosis Type IVA (Morquio Syndrome A) and no experimental evidence demonstrating its impact on protein function have been reported. The following publication has been ascertained in the context of this evaluation (PMID: 35094026). One submitter has cited a clinical-significance assessment for this variant to ClinVar after 2014 and has classified the variant as uncertain significance. Based on the evidence outlined above, the variant was classified as uncertain significance.

Labcorp Genetics (formerly Invitae), Labcorp
Classification: Uncertain significance for Mucopolysaccharidosis, MPS-IV-A. Last evaluated: 2022-02-18. Review status: criteria provided, single submitter. Criteria: Invitae Variant Classification Sherloc (09022015). Collection method: clinical testing. Allele origin: germline.
Comment: This sequence change replaces alanine, which is neutral and non-polar, with valine, which is neutral and non-polar, at codon 231 of the GALNS protein (p.Ala231Val). This variant is present in population databases (rs34745339, gnomAD 0.0009%). This variant has not been reported in the literature in individuals affected with GALNS-related conditions. Advanced modeling of protein sequence and biophysical properties (such as structural, functional, and spatial information, amino acid conservation, physicochemical variation, residue mobility, and thermodynamic stability) performed at Invitae indicates that this missense variant is expected to disrupt GALNS protein function. In summary, the available evidence is currently insufficient to determine the role of this variant in disease. Therefore, it has been classified as a Variant of Uncertain Significance.

Literature cited by the submitters: PubMed 35094026 (cited by Women's Health and Genetics/Laboratory Corporation of America, LabCorp).